The following is an entry in ClinVar:

ClinVar aggregate classification (germline): Uncertain significance. Review status: criteria provided, multiple submitters, no conflicts (2 of 4 stars). 2 submissions from 2 submitters: Uncertain significance (2). Last evaluated 2024-02-24.

Allele frequency attached by ClinVar (database versions not stated): ExAC 0.00001; gnomAD 0.00001; TOPMed 0.00001; gnomAD exomes 0.00002.

Submissions (2):

Labcorp Genetics (formerly Invitae), Labcorp
Classification: Uncertain significance. Last evaluated: 2024-02-24. Review status: criteria provided, single submitter. Criteria: Invitae Variant Classification Sherloc (09022015). Collection method: clinical testing. Allele origin: germline.
Comment: This sequence change replaces arginine, which is basic and polar, with cysteine, which is neutral and slightly polar, at codon 264 of the LOXL3 protein (p.Arg264Cys). This variant is present in population databases (rs774395905, gnomAD 0.01%). This variant has not been reported in the literature in individuals affected with LOXL3-related conditions. ClinVar contains an entry for this variant (Variation ID: 1465734). An algorithm developed to predict the effect of missense changes on protein structure and function (PolyPhen-2) suggests that this variant is likely to be disruptive. In summary, the available evidence is currently insufficient to determine the role of this variant in disease. Therefore, it has been classified as a Variant of Uncertain Significance.

Ambry Genetics
Classification: Uncertain significance. Last evaluated: 2021-09-16. Review status: criteria provided, single submitter. Criteria: Ambry Variant Classification Scheme 2023. Collection method: clinical testing. Allele origin: germline.

NM_032603.5(LOXL3):c.790C>T (p.Arg264Cys)

Gene: LOXL3 (lysyl oxidase like 3; minus strand). Cytogenetic location: 2p13.1.
Variant type: single nucleotide variant.
Coding change: c.790C>T on transcript NM_032603.5 (MANE Select); coding-DNA position 790, C replaced by T.
Protein change: p.Arg264Cys; replaces arginine 264 with cysteine.
Molecular consequence: missense variant. On other transcripts: intron variant (2).
Genome position (GRCh38, 1-based): chr2:74,536,831, G>A on the plus strand (C>T on the coding strand, the complement: LOXL3 is on the minus strand). VCF-style: chr2-74536831-G-A. GRCh37 (hg19) VCF-style: chr2-74763958-G-A.
Other names: c.478-360C>T (NM_001289164.3); c.-171-360C>T (NM_001289165.2); c.790C>T (NM_032603.2); short protein forms R264C.
Identifiers: ClinVar variation 1465734 (VCV001465734.5), dbSNP rs774395905, ClinGen allele CA1729085.